The following is an entry in ClinVar:

NM_144687.4(NLRP12):c.716T>C (p.Leu239Pro)

Gene: NLRP12 (NLR family pyrin domain containing 12; minus strand). Cytogenetic location: 19q13.42.
Variant type: single nucleotide variant.
Coding change: c.716T>C on transcript NM_144687.4 (MANE Select); coding-DNA position 716, T replaced by C.
Protein change: p.Leu239Pro; replaces leucine 239 with proline.
Molecular consequence: missense variant.
Genome position (GRCh38, 1-based): chr19:53,810,943, A>G on the plus strand (T>C on the coding strand, the complement: NLRP12 is on the minus strand). VCF-style: chr19-53810943-A-G. GRCh37 (hg19) VCF-style: chr19-54314197-A-G.
Other names: c.716T>C, p.Leu239Pro (NM_001277126.2, NM_001277129.1); short protein forms L239P.
Identifiers: ClinVar variation 2969129 (VCV002969129.3), dbSNP rs1229049368, ClinGen allele CA407415970.

ClinVar aggregate classification (germline): Uncertain significance (1 of 4 stars; one submission).

Conditions:
Familial cold autoinflammatory syndrome 2 (FCAS2). Identifiers: Orphanet 247868, MedGen C2673198, MONDO:0012724, OMIM 611762.

Allele frequency attached by ClinVar (database versions not stated): gnomAD exomes below 0.00001; gnomAD 0.00001; TOPMed 0.00002.

Submission:

Labcorp Genetics (formerly Invitae), Labcorp
Classification: Uncertain significance for Familial cold autoinflammatory syndrome 2. Last evaluated: 2023-05-15. Review status: criteria provided, single submitter. Criteria: Invitae Variant Classification Sherloc (09022015). Collection method: clinical testing. Allele origin: germline.
Comment: This sequence change replaces leucine, which is neutral and non-polar, with proline, which is neutral and non-polar, at codon 239 of the NLRP12 protein (p.Leu239Pro). In summary, the available evidence is currently insufficient to determine the role of this variant in disease. Therefore, it has been classified as a Variant of Uncertain Significance. Advanced modeling of protein sequence and biophysical properties (such as structural, functional, and spatial information, amino acid conservation, physicochemical variation, residue mobility, and thermodynamic stability) has been performed at Invitae for this missense variant, however the output from this modeling did not meet the statistical confidence thresholds required to predict the impact of this variant on NLRP12 protein function. This variant has not been reported in the literature in individuals affected with NLRP12-related conditions. This variant is not present in population databases (gnomAD no frequency).